The following is an entry in ClinVar:

NM_004453.4(ETFDH):c.1331T>C (p.Val444Ala)

Gene: ETFDH (electron transfer flavoprotein dehydrogenase; plus strand). Cytogenetic location: 4q32.1.
Variant type: single nucleotide variant.
Coding change: c.1331T>C on transcript NM_004453.4 (MANE Select); coding-DNA position 1331, T replaced by C.
Protein change: p.Val444Ala; replaces valine 444 with alanine.
Molecular consequence: missense variant.
Genome position (GRCh38, 1-based): chr4:158,706,234, T>C. VCF-style: chr4-158706234-T-C. GRCh37 (hg19) VCF-style: chr4-159627386-T-C.
Other names: c.1190T>C, p.Val397Ala (NM_001281737.2); c.1148T>C, p.Val383Ala (NM_001281738.1); short protein forms V397A, V383A, V444A.
Identifiers: ClinVar variation 1366306 (VCV001366306.5), dbSNP rs760234838, ClinGen allele CA3122601.

ClinVar aggregate classification (germline): Conflicting classifications of pathogenicity. Review status: criteria provided, conflicting classifications (1 of 4 stars). 3 submissions from 3 submitters: Likely pathogenic (1); Uncertain significance (2). Last evaluated 2024-03-07.

Conditions:
Multiple acyl-CoA dehydrogenase deficiency (MADD). Also called: ETHYLMALONIC-ADIPICACIDURIA; GA II; Glutaric Acidemia type 2; Glutaric aciduria, type 2; Glutaric acidemia type II; GA 2. Identifiers: Orphanet 26791, MedGen C0268596, MONDO:0009282, OMIM 231680.

Allele frequency attached by ClinVar (database versions not stated): gnomAD exomes below 0.00001; ExAC 0.00001; gnomAD 0.00001; TOPMed 0.00001.
gnomAD v4.1: 3 of 1,612,314 alleles (0.00019%); highest among the groups gnomAD compares: Non-Finnish European, 0.00025%; no homozygotes.

Submissions (3):

Baylor Genetics
Classification: Likely pathogenic for Multiple acyl-CoA dehydrogenase deficiency. Last evaluated: 2024-03-07. Review status: criteria provided, single submitter. Criteria: ACMG Guidelines, 2015. Collection method: clinical testing. Allele origin: unknown.

Women's Health and Genetics/Laboratory Corporation of America, LabCorp
Classification: Uncertain significance. Last evaluated: 2023-12-12. Review status: criteria provided, single submitter. Criteria: LabCorp Variant Classification Summary - May 2015. Collection method: clinical testing. Allele origin: germline.
Comment: Variant summary: ETFDH c.1331T>C (p.Val444Ala) results in a non-conservative amino acid change in the encoded protein sequence. Three of five in-silico tools predict a damaging effect of the variant on protein function. The variant allele was found at a frequency of 4e-06 in 251286 control chromosomes. The available data on variant occurrences in the general population are insufficient to allow any conclusion about variant significance. c.1331T>C has been reported in the literature in individuals affected with Glutaric Aciduria, Type 2c (Behin_2016). These report(s) do not provide unequivocal conclusions about association of the variant with Glutaric Aciduria, Type 2c. To our knowledge, no experimental evidence demonstrating an impact on protein function has been reported. The following publication have been ascertained in the context of this evaluation (PMID: 27038534). One submitter has cited clinical-significance assessments for this variant to ClinVar after 2014 and has classified the variant as uncertain significance. Based on the evidence outlined above, the variant was classified as uncertain significance.

Labcorp Genetics (formerly Invitae), Labcorp
Classification: Uncertain significance for Multiple acyl-CoA dehydrogenase deficiency. Last evaluated: 2021-11-15. Review status: criteria provided, single submitter. Criteria: Invitae Variant Classification Sherloc (09022015). Collection method: clinical testing. Allele origin: germline.
Comment: This sequence change replaces valine, which is neutral and non-polar, with alanine, which is neutral and non-polar, at codon 444 of the ETFDH protein (p.Val444Ala). This variant is present in population databases (rs760234838, gnomAD 0.0009%). This missense change has been observed in individual(s) with glutaric aciduria (PMID: 27038534). Algorithms developed to predict the effect of missense changes on protein structure and function are either unavailable or do not agree on the potential impact of this missense change (SIFT: "Deleterious"; PolyPhen-2: "Benign"; Align-GVGD: "Class C25"). In summary, the available evidence is currently insufficient to determine the role of this variant in disease. Therefore, it has been classified as a Variant of Uncertain Significance.

Literature cited by the submitters: PubMed 27038534 (cited by Women's Health and Genetics/Laboratory Corporation of America, LabCorp and Labcorp Genetics (formerly Invitae), Labcorp).